The following is an entry in ClinVar:

NC_000011.9:g.(?_94219070)_(94224151_?)del

Gene: MRE11 (MRE11 homolog, double strand break repair nuclease; minus strand). Cytogenetic location: 11q21.
Variant type: Deletion.
Identifiers: ClinVar variation 3244639 (VCV003244639.1).

ClinVar aggregate classification (germline): Pathogenic (1 of 4 stars; one submission).

Conditions:
Ataxia-telangiectasia-like disorder (ATLD). Identifiers: MedGen C1858391, MONDO:0011457.

Submission:

Labcorp Genetics (formerly Invitae), Labcorp
Classification: Pathogenic for Ataxia-telangiectasia-like disorder. Last evaluated: 2023-11-28. Review status: criteria provided, single submitter. Criteria: Invitae Variant Classification Sherloc (09022015). Collection method: clinical testing. Allele origin: unknown.
Comment: This variant is a gross deletion of the genomic region encompassing exon(s) 3-4 of the MRE11 gene. This variant would be expected to be in-frame, preserving the integrity of the reading frame. This variant has not been reported in the literature in individuals affected with MRE11-related conditions. This variant disrupts a region of the MRE11 protein in which other variant(s) (p.Met26Thr) have been determined to be pathogenic (PMID: 26633542, 28849312, 30441849, 33098801; Invitae). This suggests that this is a clinically significant region of the protein, and that variants that disrupt it are likely to be disease-causing. For these reasons, this variant has been classified as Pathogenic.

Literature cited by the submitters: PubMed 26633542; PubMed 28849312; PubMed 30441849; PubMed 33098801.